The following is an entry in ClinVar:

NM_001042492.3(NF1):c.1671_1683del (p.Ser557fs)

Gene: NF1 (neurofibromin 1; plus strand). Cytogenetic location: 17q11.2.
Variant type: Deletion.
Coding change: c.1671_1683del on transcript NM_001042492.3 (MANE Select); coding-DNA positions 1671 to 1683, 13 bases deleted (CATTGATTTGTGG).
Protein change: p.Ser557fs; shifts the reading frame from serine 557.
Molecular consequence: frameshift variant.
Genome position (GRCh38, 1-based): chr17:31,221,879-31,221,891, CATTGATTTGTGG deleted; deleting any 13 consecutive bases within chr17:31,221,878-31,221,891 gives the same sequence; the c. name uses the placement nearest the transcript's 3' end. VCF-style (leftmost placement, unchanged base first): chr17-31221877-AGCATTGATTTGTG-A. GRCh37 (hg19) VCF-style: chr17-29548895-AGCATTGATTTGTG-A.
Other names: c.1671_1683delCATTGATTTGTGG, p.Ser557Argfs (NM_000267.4); c.1671_1683del, p.Ser557fs (NM_001128147.3); short protein forms S557fs.
Identifiers: ClinVar variation 1359415 (VCV001359415.6), dbSNP rs2144004136, ClinGen allele CA2573153226.
Genomic context (GRCh38, chr17:31,221,877, plus strand): 5'-TCTCTTTGTCTTTCTCTTTTTTAAAAAATTCAGGCTCTGCTGGTTCTTCATCAGTTAGAT[AGCATTGATTTGTG>A]GAATCCTGATGCTCCTGTAGAAACATTTTGGGAGATTAGGTATATGTACTTTTATTTTTT-3'

ClinVar aggregate classification (germline): Pathogenic (1 of 4 stars; one submission).

Conditions:
Neurofibromatosis, type 1 (NF1). Also called: NEUROFIBROMATOSIS, TYPE I, SOMATIC; VON RECKLINGHAUSEN DISEASE; Neurofibromatosis, type I; Peripheral type neurofibromatosis. Identifiers: Orphanet 636, MedGen C0027831, MONDO:0018975, OMIM 162200. Disease mechanism: loss of function.

Submission:

Labcorp Genetics (formerly Invitae), Labcorp
Classification: Pathogenic for Neurofibromatosis, type 1. Last evaluated: 2021-08-23. Review status: criteria provided, single submitter. Criteria: Invitae Variant Classification Sherloc (09022015). Collection method: clinical testing. Allele origin: germline.
Comment: This sequence change creates a premature translational stop signal (p.Ser557Argfs*7) in the NF1 gene. It is expected to result in an absent or disrupted protein product. Loss-of-function variants in NF1 are known to be pathogenic (PMID: 10712197, 23913538). For these reasons, this variant has been classified as Pathogenic. This variant has not been reported in the literature in individuals affected with NF1-related conditions. This variant is not present in population databases (ExAC no frequency).

Literature cited by the submitters: PubMed 10712197; PubMed 23913538.